The following is an entry in ClinVar:

NM_000784.4(CYP27A1):c.317T>A (p.Val106Glu)

Gene: CYP27A1 (cytochrome P450 family 27 subfamily A member 1; plus strand). Cytogenetic location: 2q35.
Variant type: single nucleotide variant.
Coding change: c.317T>A on transcript NM_000784.4 (MANE Select); coding-DNA position 317, T replaced by A.
Protein change: p.Val106Glu; replaces valine 106 with glutamic acid.
Molecular consequence: missense variant.
Genome position (GRCh38, 1-based): chr2:218,809,638, T>A. VCF-style: chr2-218809638-T-A. GRCh37 (hg19) VCF-style: chr2-219674361-T-A.
Other names: p.Val106Glu; short protein forms V106E.
Identifiers: ClinVar variation 4540801 (VCV004540801.1).

ClinVar aggregate classification (germline): Uncertain significance (1 of 4 stars; one submission).

Submission:

Mayo Clinic Laboratories, Mayo Clinic
Classification: Uncertain significance. Last evaluated: 2025-10-14. Review status: criteria provided, single submitter. Criteria: ACMG Guidelines, 2015. Collection method: clinical testing. Allele origin: germline. Observed: 1 variant allele.
Comment: PP3_moderate, PP4, PM2_supporting